The following is an entry in ClinVar:

ClinVar aggregate classification (germline): Uncertain significance (1 of 4 stars; one submission).

Conditions:
Spinocerebellar ataxia type 19/22 (SCA19). Also called: SPINOCEREBELLAR ATAXIA 22; SPINOCEREBELLAR ATAXIA 19. Identifiers: Orphanet 98772, MedGen C1846367, MONDO:0011819, OMIM 607346.

gnomAD v4.1: 25 of 1,614,232 alleles (0.0015%); highest among the groups gnomAD compares: Non-Finnish European, 0.0019%; no homozygotes.

Submission:

Labcorp Genetics (formerly Invitae), Labcorp
Classification: Uncertain significance for Spinocerebellar ataxia type 19/22. Last evaluated: 2024-09-14. Review status: criteria provided, single submitter. Criteria: Invitae Variant Classification Sherloc (09022015). Collection method: clinical testing. Allele origin: germline.
Comment: This sequence change replaces isoleucine, which is neutral and non-polar, with serine, which is neutral and polar, at codon 511 of the KCND3 protein (p.Ile511Ser). This variant is not present in population databases (gnomAD no frequency). This variant has not been reported in the literature in individuals affected with KCND3-related conditions. Invitae Evidence Modeling of protein sequence and biophysical properties (such as structural, functional, and spatial information, amino acid conservation, physicochemical variation, residue mobility, and thermodynamic stability) indicates that this missense variant is not expected to disrupt KCND3 protein function with a negative predictive value of 80%. In summary, the available evidence is currently insufficient to determine the role of this variant in disease. Therefore, it has been classified as a Variant of Uncertain Significance.

NM_001378969.1(KCND3):c.1532T>G (p.Ile511Ser)

Gene: KCND3 (potassium voltage-gated channel subfamily D member 3; minus strand). Cytogenetic location: 1p13.2.
Variant type: single nucleotide variant.
Coding change: c.1532T>G on transcript NM_001378969.1 (MANE Select); coding-DNA position 1532, T replaced by G.
Protein change: p.Ile511Ser; replaces isoleucine 511 with serine.
Molecular consequence: missense variant.
Genome position (GRCh38, 1-based): chr1:111,777,260, A>C on the plus strand (T>G on the coding strand, the complement: KCND3 is on the minus strand). VCF-style: chr1-111777260-A-C. GRCh37 (hg19) VCF-style: chr1-112319882-A-C.
Other names: c.1475T>G, p.Ile492Ser (NM_001378970.1, NM_172198.3); c.1532T>G, p.Ile511Ser (NM_004980.5); short protein forms I492S, I511S.
Identifiers: ClinVar variation 3688495 (VCV003688495.2).